The following is an entry in ClinVar:

ClinVar aggregate classification (germline): Uncertain significance. Review status: criteria provided, multiple submitters, no conflicts (2 of 4 stars). 2 submissions from 2 submitters: Uncertain significance (2). Last evaluated 2022-10-12.

Conditions:
Cardiac malformation, cleft lip/palate, microcephaly, and digital anomalies. Also called: CLEFT PALATE, CARDIAC DEFECTS, AND IMPAIRED INTELLECTUAL DEVELOPMENT. Identifiers: MedGen C1832950, MONDO:0010970, OMIM 600987.

Submissions (2):

GeneDx
Classification: Uncertain significance. Last evaluated: 2022-10-12. Review status: criteria provided, single submitter. Criteria: GeneDx Variant Classification Process June 2021. Collection method: clinical testing. Allele origin: germline. Affected: yes.
Comment: Not observed at significant frequency in large population cohorts (gnomAD); In silico analysis supports a deleterious effect on protein structure/function; Has not been previously published as pathogenic or benign to our knowledge

Labcorp Genetics (formerly Invitae), Labcorp
Classification: Uncertain significance for Cardiac malformation, cleft lip/palate, microcephaly, and digital anomalies. Last evaluated: 2019-05-09. Review status: criteria provided, single submitter. Criteria: Invitae Variant Classification Sherloc (09022015). Collection method: clinical testing. Allele origin: germline.
Comment: In summary, the available evidence is currently insufficient to determine the role of this variant in disease. Therefore, it has been classified as a Variant of Uncertain Significance. Experimental studies and prediction algorithms are not available for this variant, and the functional significance of the deleted amino acids is currently unknown. This variant has not been reported in the literature in individuals with MEIS2-related disease. This variant is not present in population databases (ExAC no frequency). This variant, c.576_578delinsTCT, results in the deletion of 2 amino acids, and the insertion of 2 amino acids in the MEIS2 protein (p.Arg192_Asp193delinsSerLeu), but otherwise preserves the integrity of the reading frame.

NM_170675.5(MEIS2):c.576_578inv (p.Arg192_Asp193delinsSerLeu)

Gene: MEIS2 (Meis homeobox 2; minus strand). Cytogenetic location: 15q14.
Variant type: Inversion.
Coding change: c.576_578inv on transcript NM_170675.5 (MANE Select).
Protein change: p.Arg192_Asp193delinsSerLeu.
Molecular consequence: missense variant. On other transcripts: non-coding transcript variant (1).
Genome position: GRCh38 VCF-style: chr15-37093642-TCT-AGA. GRCh37 (hg19) VCF-style: chr15-37385843-TCT-AGA.
Other names: c.576_578inv, p.Arg192_Asp193delinsSerLeu (NM_001220482.2, NM_170674.5, NM_170676.5 and 1 more transcripts); c.537_539inv, p.Arg179_Asp180delinsSerLeu (NM_002399.4, NM_172315.3); c.312_314inv, p.Arg104_Asp105delinsSerLeu (NM_172316.3).
Identifiers: ClinVar variation 567456 (VCV000567456.10), ClinGen allele CA891844163.